The following is an entry in ClinVar:

NM_133433.4(NIPBL):c.5258C>G (p.Ala1753Gly)

Gene: NIPBL (NIPBL cohesin loading factor; plus strand). Cytogenetic location: 5p13.2.
Variant type: single nucleotide variant.
Coding change: c.5258C>G on transcript NM_133433.4 (MANE Select); coding-DNA position 5258, C replaced by G.
Protein change: p.Ala1753Gly; replaces alanine 1753 with glycine.
Molecular consequence: missense variant.
Genome position (GRCh38, 1-based): chr5:37,020,807, C>G. VCF-style: chr5-37020807-C-G. GRCh37 (hg19) VCF-style: chr5-37020909-C-G.
Other names: c.5258C>G, p.Ala1753Gly (NM_001438586.1, NM_015384.5); short protein forms A1753G.
Identifiers: ClinVar variation 4736863 (VCV004736863.2).

ClinVar aggregate classification (germline): Uncertain significance. Review status: criteria provided, multiple submitters, no conflicts (2 of 4 stars). 2 submissions from 2 submitters: Uncertain significance (2). Last evaluated 2025-12-26.

Conditions:
Cornelia de Lange syndrome 1 (CDLS1). Also called: TYPUS DEGENERATIVUS AMSTELODAMENSIS; Brachmann de Lange syndrome; NIPBL-Related Cornelia de Lange Syndrome. Identifiers: Orphanet 199, MedGen C4551851, MONDO:0007387, OMIM 122470.

gnomAD v4.1: 6 of 1,613,972 alleles (0.00037%); highest among the groups gnomAD compares: African/African-American, 0.0013%; no homozygotes.

Submissions (2):

Labcorp Genetics (formerly Invitae), Labcorp
Classification: Uncertain significance for Cornelia de Lange syndrome 1. Last evaluated: 2025-12-26. Review status: criteria provided, single submitter. Criteria: Invitae Variant Classification Sherloc (09022015). Collection method: clinical testing. Allele origin: germline.
Comment: This sequence change replaces alanine, which is neutral and non-polar, with glycine, which is neutral and non-polar, at codon 1753 of the NIPBL protein (p.Ala1753Gly). This variant is present in population databases (no rsID available, gnomAD 0.007%). This variant has not been reported in the literature in individuals affected with NIPBL-related conditions. Invitae Evidence Modeling of protein sequence and biophysical properties (such as structural, functional, and spatial information, amino acid conservation, physicochemical variation, residue mobility, and thermodynamic stability) has been performed for this missense variant. However, the output from this modeling did not meet the statistical confidence thresholds required to predict the impact of this variant on NIPBL protein function. In summary, the available evidence is currently insufficient to determine the role of this variant in disease. Therefore, it has been classified as a Variant of Uncertain Significance.

Blueprint Genetics
Classification: Uncertain significance. Last evaluated: 2020-04-20. Review status: criteria provided, single submitter. Criteria: ACMG Guidelines, 2015. Collection method: clinical testing. Allele origin: germline.